The following is an entry in ClinVar:

NM_005732.4(RAD50):c.2110A>C (p.Lys704Gln)

Gene: RAD50 (RAD50 double strand break repair protein; plus strand). Cytogenetic location: 5q31.1.
Variant type: single nucleotide variant.
Coding change: c.2110A>C on transcript NM_005732.4 (MANE Select); coding-DNA position 2110, A replaced by C.
Protein change: p.Lys704Gln; replaces lysine 704 with glutamine.
Molecular consequence: missense variant.
Genome position (GRCh38, 1-based): chr5:132,595,713, A>C. VCF-style: chr5-132595713-A-C. GRCh37 (hg19) VCF-style: chr5-131931405-A-C.
Other names: short protein forms K704Q.
Identifiers: ClinVar variation 820729 (VCV000820729.4), dbSNP rs1580997101, ClinGen allele CA360950132.

ClinVar aggregate classification (germline): Uncertain significance (1 of 4 stars; one submission).

Conditions:
Hereditary cancer-predisposing syndrome. Also called: Neoplastic Syndromes, Hereditary; Tumor predisposition; Hereditary Cancer Syndrome; Hereditary neoplastic syndrome. Identifiers: Orphanet 140162, MedGen C0027672, MeSH D009386, MONDO:0015356.

Submission:

Ambry Genetics
Classification: Uncertain significance for Hereditary cancer-predisposing syndrome. Last evaluated: 2018-01-29. Review status: criteria provided, single submitter. Criteria: Ambry Variant Classification Scheme 2023. Collection method: clinical testing. Allele origin: germline.
Comment: The p.K704Q variant (also known as c.2110A>C), located in coding exon 13 of the RAD50 gene, results from an A to C substitution at nucleotide position 2110. The lysine at codon 704 is replaced by glutamine, an amino acid with similar properties. This amino acid position is highly conserved in available vertebrate species. In addition, this alteration is predicted to be tolerated by in silico analysis. Since supporting evidence is limited at this time, the clinical significance of this alteration remains unclear.